The following is an entry in ClinVar:

NM_001197104.2(KMT2A):c.485C>G (p.Pro162Arg)

Gene: KMT2A (lysine methyltransferase 2A; plus strand). Cytogenetic location: 11q23.3.
Variant type: single nucleotide variant.
Coding change: c.485C>G on transcript NM_001197104.2 (MANE Select); coding-DNA position 485, C replaced by G.
Protein change: p.Pro162Arg; replaces proline 162 with arginine.
Molecular consequence: missense variant.
Genome position (GRCh38, 1-based): chr11:118,468,827, C>G. VCF-style: chr11-118468827-C-G. GRCh37 (hg19) VCF-style: chr11-118339542-C-G.
Other names: c.584C>G, p.Pro195Arg (NM_001412597.1); c.485C>G, p.Pro162Arg (NM_005933.4); short protein forms P162R, P195R.
Identifiers: ClinVar variation 2506754 (VCV002506754.1), dbSNP rs1555034792, ClinGen allele CA382803718.

ClinVar aggregate classification (germline): Uncertain significance (1 of 4 stars; one submission).

Submission:

GeneDx
Classification: Uncertain significance. Last evaluated: 2022-12-20. Review status: criteria provided, single submitter. Criteria: GeneDx Variant Classification Process June 2021. Collection method: clinical testing. Allele origin: germline. Affected: yes.
Comment: Not observed at significant frequency in large population cohorts (gnomAD); In silico analysis supports that this missense variant has a deleterious effect on protein structure/function; Has not been previously published as pathogenic or benign to our knowledge